The following is an entry in ClinVar:

NM_000489.6(ATRX):c.1868A>G (p.Lys623Arg)

Gene: ATRX (ATRX chromatin remodeler; minus strand). Cytogenetic location: Xq21.1.
Variant type: single nucleotide variant.
Coding change: c.1868A>G on transcript NM_000489.6 (MANE Select); coding-DNA position 1868, A replaced by G.
Protein change: p.Lys623Arg; replaces lysine 623 with arginine.
Molecular consequence: missense variant.
Genome position (GRCh38, 1-based): chrX:77,683,388, T>C on the plus strand (A>G on the coding strand, the complement: ATRX is on the minus strand). VCF-style: chrX-77683388-T-C. GRCh37 (hg19) VCF-style: chrX-76938880-T-C.
Other names: p.Lys623Arg; c.1754A>G, p.Lys585Arg (NM_138270.5); short protein forms K623R, K585R.
Identifiers: ClinVar variation 199025 (VCV000199025.28), dbSNP rs145678415, ClinGen allele CA247990.

ClinVar aggregate classification (germline): Conflicting classifications of pathogenicity. Review status: criteria provided, conflicting classifications (1 of 4 stars). 9 submissions from 9 submitters: Uncertain significance (1); Likely benign (7). 1 of the submissions does not count toward it. Last evaluated 2026-06-01.

Conditions:
ATRX-related disorder. Also called: ATRX-related condition.
Inborn genetic diseases. Identifiers: MedGen C0950123, MeSH D030342.
Alpha thalassemia-X-linked intellectual disability syndrome (ATRX). Also called: ALPHA-THALASSEMIA/MENTAL RETARDATION SYNDROME, X-LINKED; ALPHA-THALASSEMIA/IMPAIRED INTELLECTUAL DEVELOPMENT SYNDROME, X-LINKED; X-linked alpha-thalassemia-mental retardation syndrome; ATR, NONDELETION TYPE; ATR-X syndrome; Alpha thalassemia mental retardation syndrome, nondeletion type, X-linked. Identifiers: Orphanet 847, MedGen C1845055, MONDO:0010519, OMIM 301040.

Allele frequency attached by ClinVar (database versions not stated): ExAC 0.00001; gnomAD exomes 0.00002 and 0.00004; gnomAD 0.00007 and 0.00008; TOPMed 0.00007.
gnomAD v4.1: 29 of 1,209,580 alleles (0.0024%); highest among the groups gnomAD compares: Middle Eastern, 0.069%; no homozygotes.

Submissions (9):

CeGaT Center for Human Genetics Tuebingen
Classification: Likely benign. Last evaluated: 2026-06-01. Review status: criteria provided, single submitter. Criteria: CeGaT Center For Human Genetics Tuebingen Variant Classification Criteria Version 2. Collection method: clinical testing. Allele origin: germline. Affected: yes. Observed: 1 variant allele.
Comment: ATRX: BS2

Mayo Clinic Laboratories, Mayo Clinic
Classification: Likely benign. Last evaluated: 2025-10-01. Review status: criteria provided, single submitter. Criteria: ACMG Guidelines, 2015. Collection method: clinical testing. Allele origin: germline. Observed: 1 variant allele.
Comment: BS2, BP4

PreventionGenetics, part of Exact Sciences
Classification: Likely benign for ATRX-related condition. Last evaluated: 2025-08-17. Review status: criteria provided, single submitter. Criteria: ACMG Guidelines, 2015. Collection method: clinical testing. Allele origin: germline.
Comment: This variant is classified as likely benign based on ACMG/AMP sequence variant interpretation guidelines (Richards et al. 2015 PMID: 25741868, with internal and published modifications).

Labcorp Genetics (formerly Invitae), Labcorp
Classification: Likely benign for Alpha thalassemia-X-linked intellectual disability syndrome. Last evaluated: 2025-07-08. Review status: criteria provided, single submitter. Criteria: Invitae Variant Classification Sherloc (09022015). Collection method: clinical testing. Allele origin: germline.

Ambry Genetics
Classification: Likely benign for Inborn genetic diseases. Last evaluated: 2024-10-20. Review status: criteria provided, single submitter. Criteria: Ambry Variant Classification Scheme 2023. Collection method: clinical testing. Allele origin: germline.

Blueprint Genetics
Classification: Likely benign. Last evaluated: 2022-09-27. Review status: criteria provided, single submitter. Criteria: ACMG Guidelines, 2015. Collection method: clinical testing. Allele origin: germline.

Genetic Services Laboratory, University of Chicago
Classification: Likely benign. Last evaluated: 2017-02-20. Review status: criteria provided, single submitter. Criteria: ACMG Guidelines, 2015. Collection method: clinical testing. Allele origin: germline. Affected: no.

Eurofins Ntd Llc (ga)
Classification: Uncertain significance. Last evaluated: 2014-06-12. Review status: criteria provided, single submitter. Criteria: EGL Classification Definitions 2015. Collection method: clinical testing. Allele origin: germline. Observed: 1 variant allele, 1 heterozygote.

Natera, Inc.
Classification: Likely benign for X-linked alpha-thalassemia-mental retardation syndrome. Last evaluated: 2020-04-11. Review status: no assertion criteria provided. Collection method: clinical testing. Allele origin: germline. Not counted in ClinVar's aggregate classification.